The following is an entry in ClinVar:

NM_016107.5(ZFR):c.2895G>A (p.Gly965=)

Gene: ZFR (zinc finger RNA binding protein; minus strand). Cytogenetic location: 5p13.3.
Variant type: single nucleotide variant.
Coding change: c.2895G>A on transcript NM_016107.5 (MANE Select); coding-DNA position 2895, G replaced by A.
Protein change: p.Gly965=; no amino-acid change (glycine 965 retained).
Molecular consequence: synonymous variant. On other transcripts: non-coding transcript variant (1).
Genome position (GRCh38, 1-based): chr5:32,364,216, C>T on the plus strand (G>A on the coding strand, the complement: ZFR is on the minus strand). VCF-style: chr5-32364216-C-T. GRCh37 (hg19) VCF-style: chr5-32364322-C-T.
Identifiers: ClinVar variation 3046769 (VCV003046769.2), dbSNP rs764290897, ClinGen allele CA3221482.

ClinVar aggregate classification (germline): Likely benign (0 of 4 stars; one submission).

Conditions:
ZFR-related disorder. Also called: ZFR-related condition.

Allele frequency attached by ClinVar (database versions not stated): gnomAD exomes below 0.00001; ExAC 0.00002.
gnomAD v4.1: 4 of 1,612,824 alleles (0.00025%); highest among the groups gnomAD compares: Admixed American, 0.005%; no homozygotes.

Submission:

PreventionGenetics, part of Exact Sciences
Classification: Likely benign for ZFR-related condition. Last evaluated: 2020-03-18. Review status: no assertion criteria provided. Collection method: clinical testing. Allele origin: germline.
Comment: This variant is classified as likely benign based on ACMG/AMP sequence variant interpretation guidelines (Richards et al. 2015 PMID: 25741868, with internal and published modifications).